The following is an entry in ClinVar:

NM_001875.5(CPS1):c.2883_2895del (p.Tyr962fs)

Gene: CPS1 (carbamoyl-phosphate synthase 1; plus strand). Cytogenetic location: 2q34.
Variant type: Deletion.
Coding change: c.2883_2895del on transcript NM_001875.5 (MANE Select); coding-DNA positions 2883 to 2895, 13 bases deleted (CTACAATGGTCAG).
Protein change: p.Tyr962fs; shifts the reading frame from tyrosine 962.
Molecular consequence: frameshift variant. On other transcripts: non-coding transcript variant (2).
Genome position (GRCh38, 1-based): chr2:210,639,203-210,639,215, CTACAATGGTCAG deleted. VCF-style (leftmost placement, unchanged base first): chr2-210639202-CCTACAATGGTCAG-C. GRCh37 (hg19) VCF-style: chr2-211503926-CCTACAATGGTCAG-C.
Other names: c.2883_2895del, p.Tyr962fs (NM_001122633.3, NM_001369257.1); c.2916_2928del, p.Tyr973fs (NM_001369256.1); c.2883_2895del (LRG_336t1); c.2883_2895del13 (NM_001875.4); c.2883_2895delCTACAATGGTCAG (NM_001875.4); short protein forms Y962fs, Y973fs.
Identifiers: ClinVar variation 496145 (VCV000496145.14), dbSNP rs1375304341, ClinGen allele CA539123463.

ClinVar aggregate classification (germline): Pathogenic/Likely pathogenic. Review status: criteria provided, multiple submitters, no conflicts (2 of 4 stars). 5 submissions from 5 submitters: Pathogenic (4); Likely pathogenic (1). Last evaluated 2025-06-26.

Conditions:
Pulmonary hypertension, neonatal, susceptibility to (PHN). Identifiers: MedGen C3714958, MONDO:0014151, OMIM 615371.
Congenital hyperammonemia, type I. Also called: Carbamoyl-phosphate synthase I deficiency; Carbamoyl phosphate synthetase I deficiency disease; Carbamoyl phosphate synthetase 1 deficiency; Hyperammonemia due to carbamoyl phosphate synthetase 1 deficiency; CPS 1 deficiency; Carbamyl phosphate synthetase (CPS) deficiency. Identifiers: Orphanet 147, MedGen C4082171, MONDO:0009376, OMIM 237300.

Allele frequency attached by ClinVar (database versions not stated): TOPMed below 0.00001; gnomAD 0.00001; gnomAD exomes 0.00001.

Submissions (5):

Revvity Omics, Revvity
Classification: Pathogenic for Congenital hyperammonemia, type I. Last evaluated: 2025-06-26. Review status: criteria provided, single submitter. Criteria: ACMG Guidelines, 2015. Collection method: clinical testing. Allele origin: germline.

Natera, Inc.
Classification: Likely pathogenic for Carbamoyl-phosphate synthase I deficiency. Last evaluated: 2024-06-13. Review status: criteria provided, single submitter. Criteria: Natera Variant Classification Schema (03/2026). Collection method: clinical testing. Allele origin: germline.
Comment: The c.2883_2895delCTACAATGGTCAG variant in CPS1 is a frameshift variant predicted to shift the reading frame beginning at codon 962 and leads to a stop codon 11 codons downstream. This variant is expected to result in nonsense mediated decay, truncation, or a dysfunctional protein product. This variant is rare in the general population with a frequency below the threshold expected for the associated phenotype(s). Given the available evidence, this variant is classified as Likely Pathogenic.

Baylor Genetics
Classification: Pathogenic for Pulmonary hypertension, neonatal, susceptibility to. Last evaluated: 2024-01-08. Review status: criteria provided, single submitter. Criteria: ACMG Guidelines, 2015. Collection method: clinical testing. Allele origin: unknown.

Labcorp Genetics (formerly Invitae), Labcorp
Classification: Pathogenic for Congenital hyperammonemia, type I. Last evaluated: 2023-04-26. Review status: criteria provided, single submitter. Criteria: Invitae Variant Classification Sherloc (09022015). Collection method: clinical testing. Allele origin: germline.
Comment: For these reasons, this variant has been classified as Pathogenic. Algorithms developed to predict the effect of sequence changes on RNA splicing suggest that this variant may disrupt the consensus splice site. ClinVar contains an entry for this variant (Variation ID: 496145). This variant is also known as c.3006_3018del13. This premature translational stop signal has been observed in individual(s) with carbamoyl phosphate synthetase I deficiency (PMID: 16737834). This variant is present in population databases (no rsID available, gnomAD 0.009%). This sequence change creates a premature translational stop signal (p.Tyr962Serfs*11) in the CPS1 gene. It is expected to result in an absent or disrupted protein product. Loss-of-function variants in CPS1 are known to be pathogenic (PMID: 21120950).

Women's Health and Genetics/Laboratory Corporation of America, LabCorp
Classification: Pathogenic for Congenital hyperammonemia, type I. Last evaluated: 2022-03-21. Review status: criteria provided, single submitter. Criteria: LabCorp Variant Classification Summary - May 2015. Collection method: clinical testing. Allele origin: germline.
Comment: Variant summary: CPS1 c.2883_2895del13 (p.Tyr962SerfsX11) results in a premature termination codon, predicted to cause a truncation of the encoded protein or absence of the protein due to nonsense mediated decay, which are commonly known mechanisms for disease. Truncations downstream of this position have been reported in affected individuals (HGMD). Several computational tools predict a significant impact on normal splicing: four predict the variant abolishes a 5' splicing donor site. However, these predictions have yet to be confirmed by functional studies. The variant allele was found at a frequency of 8e-06 in 251014 control chromosomes (gnomAD). The variant, c.2883_2895del13, has been reported in the literature in individuals affected with Carbamoylphosphate Synthetase I Deficiency (Eeds_2006, Kumar_2021), and in one of these reports, in a homozygous case, the lack of mRNA was noted, which suggests that the variant resulted in nonsense-mediated decay (Eeds_2006). These data indicate that the variant is likely associated with disease. Two other clinical diagnostic laboratories have submitted clinical-significance assessments for this variant to ClinVar after 2014, and classified the variant as pathogenic (n=1) / likely pathogenic (n=1). Based on the evidence outlined above, the variant was classified as pathogenic.

Literature cited by the submitters: PubMed 16737834 (cited by Labcorp Genetics (formerly Invitae), Labcorp and Women's Health and Genetics/Laboratory Corporation of America, LabCorp); PubMed 21120950 (cited by Labcorp Genetics (formerly Invitae), Labcorp and Women's Health and Genetics/Laboratory Corporation of America, LabCorp); PubMed 31507628 (cited by Women's Health and Genetics/Laboratory Corporation of America, LabCorp); PubMed 33489762 (cited by Women's Health and Genetics/Laboratory Corporation of America, LabCorp).